The following is an entry in ClinVar:

NM_000016.6(ACADM):c.1115C>A (p.Ala372Asp)

Gene: ACADM (acyl-CoA dehydrogenase medium chain; plus strand). Cytogenetic location: 1p31.1.
Variant type: single nucleotide variant.
Coding change: c.1115C>A on transcript NM_000016.6 (MANE Select); coding-DNA position 1115, C replaced by A.
Protein change: p.Ala372Asp; replaces alanine 372 with aspartic acid.
Molecular consequence: missense variant.
Genome position (GRCh38, 1-based): chr1:75,761,291, C>A. VCF-style: chr1-75761291-C-A. GRCh37 (hg19) VCF-style: chr1-76226976-C-A.
Other names: c.1127C>A, p.Ala376Asp (NM_001127328.3); c.1007C>A, p.Ala336Asp (NM_001286042.2); c.1214C>A, p.Ala405Asp (NM_001286043.2); c.548C>A, p.Ala183Asp (NM_001286044.2); short protein forms A372D, A376D, A183D, A405D, A336D.
Identifiers: ClinVar variation 226073 (VCV000226073.20), dbSNP rs781424858, ClinGen allele CA913276.
Genomic context (GRCh38, chr1:75,761,291, plus strand): 5'-ATTATGCTTCTATTGCAAAGGCATTTGCTGGAGATATTGCAAATCAGTTAGCTACTGATG[C>A]TGTGCAGATACTTGGAGGCAATGGATTTAATACAGAATATCCTGTAGAAAAACTAATGAG-3'
Protein context (NP_000007.1, residues 362-382): GDIANQLATD[Ala372Asp]VQILGGNGFN

ClinVar aggregate classification (germline): Conflicting classifications of pathogenicity. Review status: criteria provided, conflicting classifications (1 of 4 stars). 6 submissions from 6 submitters: Likely pathogenic (4); Uncertain significance (2). Last evaluated 2026-08-21.

Conditions:
Medium-chain acyl-coenzyme A dehydrogenase deficiency (ACADMD). Also called: ACADM DEFICIENCY; MCADH DEFICIENCY; MCAD Deficiency; Medium chain acyl-CoA dehydrogenase deficiency; CARNITINE DEFICIENCY SECONDARY TO MEDIUM-CHAIN ACYL-CoA DEHYDROGENASE DEFICIENCY; MCADD. Identifiers: Orphanet 42, MedGen C0220710, MONDO:0008721, OMIM 201450.

Allele frequency attached by ClinVar (database versions not stated): gnomAD exomes 0.00001 and below 0.00001; ExAC 0.00002.
gnomAD v4.1: 2 of 1,613,448 alleles (0.00012%); highest among the groups gnomAD compares: Admixed American, 0.0017%; no homozygotes.

Submissions (6):

GeneDx
Classification: Likely pathogenic. Last evaluated: 2026-08-21. Review status: criteria provided, single submitter. Criteria: GeneDx Variant Classification Process June 2021. Collection method: clinical testing. Allele origin: germline.
Comment: Identified with a second ACADM variant in a patient with a positive newborn screen; however, it is uncertain whether the variants are on the same or opposite alleles (PMID: 20434380); In silico analysis supports that this missense variant has a deleterious effect on protein structure/function; Not observed at significant frequency in large population cohorts (gnomAD); This variant is associated with the following publications: (PMID: 32778825, 27477829, 20434380)

Natera, Inc.
Classification: Likely pathogenic for Medium Chain Acyl-CoA Dehydrogenase Deficiency. Last evaluated: 2025-08-15. Review status: criteria provided, single submitter. Criteria: Natera Variant Classification Schema (03/2026). Collection method: clinical testing. Allele origin: germline.
Comment: The c.1115C>A variant in ACADM is a missense variant predicted to cause substitution of alanine to aspartic acid at amino acid 372. This variant is rare in the general population with a frequency below the threshold expected for the associated phenotype(s). This variant has been observed in one or more individuals affected with the associated recessive disease, as either homozygous or compound heterozygous with a second variant (PMID: 20434380). This variant has been identified in one or more affected individuals with a phenotype highly consistent with the associated gene (PMID: 20434380). Computational prediction algorithms indicate this variant is likely to affect gene or protein function. Given the available evidence, this variant is classified as Likely Pathogenic.

Revvity Omics, Revvity
Classification: Likely pathogenic for Medium-chain acyl-coenzyme A dehydrogenase deficiency. Last evaluated: 2025-02-06. Review status: criteria provided, single submitter. Criteria: ACMG Guidelines, 2015. Collection method: clinical testing. Allele origin: germline.

Labcorp Genetics (formerly Invitae), Labcorp
Classification: Likely pathogenic for Medium-chain acyl-coenzyme A dehydrogenase deficiency. Last evaluated: 2023-11-07. Review status: criteria provided, single submitter. Criteria: Invitae Variant Classification Sherloc (09022015). Collection method: clinical testing. Allele origin: germline.
Comment: This sequence change replaces alanine, which is neutral and non-polar, with aspartic acid, which is acidic and polar, at codon 372 of the ACADM protein (p.Ala372Asp). This variant is present in population databases (rs781424858, gnomAD 0.002%). This missense change has been observed in individual(s) with medium-chain acyl-coenzyme A dehydrogenase deficiency (PMID: 20434380, 27477829, 32778825). ClinVar contains an entry for this variant (Variation ID: 226073). Advanced modeling of protein sequence and biophysical properties (such as structural, functional, and spatial information, amino acid conservation, physicochemical variation, residue mobility, and thermodynamic stability) performed at Invitae indicates that this missense variant is expected to disrupt ACADM protein function with a positive predictive value of 80%. In summary, the currently available evidence indicates that the variant is pathogenic, but additional data are needed to prove that conclusively. Therefore, this variant has been classified as Likely Pathogenic.

Women's Health and Genetics/Laboratory Corporation of America, LabCorp
Classification: Uncertain significance. Last evaluated: 2022-07-05. Review status: criteria provided, single submitter. Criteria: LabCorp Variant Classification Summary - May 2015. Collection method: clinical testing. Allele origin: germline.
Comment: Variant summary: ACADM c.1115C>A (p.Ala372Asp) results in a non-conservative amino acid change located in the acyl-CoA dehydrogenase/oxidase C-terminal domain (IPR009075) of the encoded protein sequence. Five of five in-silico tools predict a damaging effect of the variant on protein function. The variant allele was found at a frequency of 8e-06 in 251238 control chromosomes (gnomAD). The available data on variant occurrences in the general population are insufficient to allow any conclusion about variant significance. c.1115C>A has been reported in the literature in at least one compound heterozygous individual affected with Medium Chain Acyl-CoA Dehydrogenase Deficiency in whom the variant was confirmed to be in trans with a pathogenic variant (e.g. Smith_2010, Adhikari_2020). To our knowledge, no experimental evidence demonstrating an impact on protein function has been reported. Three clinical diagnostic laboratories have submitted clinical-significance assessments for this variant to ClinVar after 2014. Two laboratories classified the variant as VUS and one classified it as likely pathogenic. Based on the evidence outlined above, the variant was classified as uncertain significance.

ARUP Laboratories, Molecular Genetics and Genomics, ARUP Laboratories
Classification: Uncertain significance for Medium-chain acyl-coenzyme A dehydrogenase deficiency. Last evaluated: 2015-02-20. Review status: criteria provided, single submitter. Criteria: ACMG Guidelines, 2015. Collection method: clinical testing. Allele origin: germline. Inheritance: Autosomal recessive inheritance. Observed: 1 heterozygote.

Literature cited by the submitters: PubMed 20434380 (cited by 3 submitters); PubMed 27477829 (cited by Labcorp Genetics (formerly Invitae), Labcorp); PubMed 32778825 (cited by Labcorp Genetics (formerly Invitae), Labcorp and Women's Health and Genetics/Laboratory Corporation of America, LabCorp).